The following is an entry in ClinVar:

ClinVar aggregate classification (germline): Uncertain significance (1 of 4 stars; one submission).

Allele frequency attached by ClinVar (database versions not stated): TOPMed below 0.00001; gnomAD 0.00001.

Submission:

GeneDx
Classification: Uncertain significance. Last evaluated: 2022-09-28. Review status: criteria provided, single submitter. Criteria: GeneDx Variant Classification Process June 2021. Collection method: clinical testing. Allele origin: germline. Affected: yes.
Comment: Not observed at significant frequency in large population cohorts (gnomAD); In silico analysis supports that this missense variant has a deleterious effect on protein structure/function; Has not been previously published as pathogenic or benign to our knowledge

NM_000444.6(PHEX):c.1268T>C (p.Val423Ala)

Gene: PHEX (phosphate regulating endopeptidase X-linked; plus strand). Cytogenetic location: Xp22.11.
Variant type: single nucleotide variant.
Coding change: c.1268T>C on transcript NM_000444.6 (MANE Select); coding-DNA position 1268, T replaced by C.
Protein change: p.Val423Ala; replaces valine 423 with alanine.
Molecular consequence: missense variant.
Genome position (GRCh38, 1-based): chrX:22,114,552, T>C. VCF-style: chrX-22114552-T-C. GRCh37 (hg19) VCF-style: chrX-22132670-T-C.
Other names: c.1268T>C, p.Val423Ala (NM_001282754.2); short protein forms V423A.
Identifiers: ClinVar variation 2498067 (VCV002498067.1), dbSNP rs1316294366, ClinGen allele CA412573632.